The following is an entry in ClinVar:

NM_002152.3(HRC):c.999A>C (p.Ser333=)

Gene: HRC (histidine rich calcium binding protein; minus strand). Cytogenetic location: 19q13.33.
Variant type: single nucleotide variant.
Coding change: c.999A>C on transcript NM_002152.3 (MANE Select); coding-DNA position 999, A replaced by C.
Protein change: p.Ser333=; no amino-acid change (serine 333 retained).
Molecular consequence: synonymous variant.
Genome position (GRCh38, 1-based): chr19:49,154,239, T>G on the plus strand (A>C on the coding strand, the complement: HRC is on the minus strand). VCF-style: chr19-49154239-T-G. GRCh37 (hg19) VCF-style: chr19-49657496-T-G.
Identifiers: ClinVar variation 4533489 (VCV004533489.6).
Genomic context (GRCh38, chr19:49,154,239, plus strand): 5'-TTCTTCCTCGTCTCTGTGGCCTTGGTGCCTGTGGTCAGGGACATGATGGTGGTGTTCACC[T>G]GAGACAGCCTCAACCTCTTCCTTTCTGTGGTCTTGGTGCCTGTGGGCCTGGTGTCCATAC-3'
Protein context (NP_002143.1, residues 323-343): DHRKEEVEAV[Ser333=]GEHHHHVPDH

ClinVar aggregate classification (germline): Likely benign (1 of 4 stars; one submission).

Submission:

CeGaT Center for Human Genetics Tuebingen
Classification: Likely benign. Last evaluated: 2025-10-01. Review status: criteria provided, single submitter. Criteria: CeGaT Center For Human Genetics Tuebingen Variant Classification Criteria Version 2. Collection method: clinical testing. Allele origin: germline. Affected: yes. Observed: 1 variant allele.
Comment: HRC: BP4, BP7